The following is an entry in ClinVar:

NM_020693.4(DSCAML1):c.2992G>A (p.Val998Met)

Gene: DSCAML1 (DS cell adhesion molecule like 1; minus strand). Cytogenetic location: 11q23.3.
Variant type: single nucleotide variant.
Coding change: c.2992G>A on transcript NM_020693.4 (MANE Select); coding-DNA position 2992, G replaced by A.
Protein change: p.Val998Met; replaces valine 998 with methionine.
Molecular consequence: missense variant.
Genome position (GRCh38, 1-based): chr11:117,469,942, C>T on the plus strand (G>A on the coding strand, the complement: DSCAML1 is on the minus strand). VCF-style: chr11-117469942-C-T. GRCh37 (hg19) VCF-style: chr11-117340658-C-T.
Other names: short protein forms V998M.
Identifiers: ClinVar variation 1424499 (VCV001424499.6), dbSNP rs759034155, ClinGen allele CA6296825.

ClinVar aggregate classification (germline): Uncertain significance (1 of 4 stars; one submission).

Allele frequency attached by ClinVar (database versions not stated): TOPMed below 0.00001; ExAC 0.00001; gnomAD 0.00001; gnomAD exomes 0.00001.
gnomAD v4.1: 32 of 1,608,744 alleles (0.002%); highest among the groups gnomAD compares: Non-Finnish European, 0.0027%; no homozygotes.

Submission:

Labcorp Genetics (formerly Invitae), Labcorp
Classification: Uncertain significance. Last evaluated: 2025-03-11. Review status: criteria provided, single submitter. Criteria: Invitae Variant Classification Sherloc (09022015). Collection method: clinical testing. Allele origin: germline.
Comment: This sequence change replaces valine, which is neutral and non-polar, with methionine, which is neutral and non-polar, at codon 1058 of the DSCAML1 protein (p.Val1058Met). This variant is present in population databases (rs759034155, gnomAD 0.002%). This variant has not been reported in the literature in individuals affected with DSCAML1-related conditions. ClinVar contains an entry for this variant (Variation ID: 1424499). An algorithm developed to predict the effect of missense changes on protein structure and function (PolyPhen-2) suggests that this variant is likely to be tolerated. In summary, the available evidence is currently insufficient to determine the role of this variant in disease. Therefore, it has been classified as a Variant of Uncertain Significance.